The following is an entry in ClinVar:

ClinVar aggregate classification (germline): Likely pathogenic (1 of 4 stars; one submission).

Allele frequency attached by ClinVar (database versions not stated): ExAC 0.00001; gnomAD exomes 0.00001; TOPMed 0.00004.
gnomAD v4.1: 10 of 1,613,994 alleles (0.00062%); highest among the groups gnomAD compares: African/African-American, 0.0053%; no homozygotes.

Submission:

GeneDx
Classification: Likely pathogenic. Last evaluated: 2015-05-28. Review status: criteria provided, single submitter. Criteria: GeneDx Variant Classification (06012015). Collection method: clinical testing. Allele origin: germline. Affected: yes.
Comment: The R1130X nonsense variant in the TYK2 gene is predicted to cause loss of normal protein function through protein truncation as the last 58 amino acids are lost, which include the last 16% of the protein kinase 2 domain and 11 terminal amino acids. In addition, R1130X was not observed in approximately 6,500 individuals of European and African American ancestry in the NHLBI Exome Sequencing Project, indicating it is not a common benign variant in these populations. Although this variant has not been reported previously to our knowledge, it is a strong candidate for a pathogenic variant. However, the possibility that it is a benign variant cannot be excluded.

NM_003331.5(TYK2):c.3388C>T (p.Arg1130Ter)

Gene: TYK2 (tyrosine kinase 2; minus strand). Cytogenetic location: 19p13.2.
Variant type: single nucleotide variant.
Coding change: c.3388C>T on transcript NM_003331.5 (MANE Select); coding-DNA position 3388, C replaced by T.
Protein change: p.Arg1130Ter; replaces arginine 1130 with a stop codon.
Molecular consequence: nonsense.
Genome position (GRCh38, 1-based): chr19:10,351,093, G>A on the plus strand (C>T on the coding strand, the complement: TYK2 is on the minus strand). VCF-style: chr19-10351093-G-A. GRCh37 (hg19) VCF-style: chr19-10461769-G-A.
Other names: c.3388C>T (LRG_121t1); short protein forms R1130*.
Identifiers: ClinVar variation 427123 (VCV000427123.2), dbSNP rs779037308, ClinGen allele CA9192737.